The following is an entry in ClinVar:

NM_000368.5(TSC1):c.1982G>A (p.Ser661Asn)

Gene: TSC1 (TSC complex subunit 1; minus strand). Cytogenetic location: 9q34.13.
Variant type: single nucleotide variant.
Coding change: c.1982G>A on transcript NM_000368.5 (MANE Select); coding-DNA position 1982, G replaced by A.
Protein change: p.Ser661Asn; replaces serine 661 with asparagine.
Molecular consequence: missense variant. On other transcripts: non-coding transcript variant (5).
Genome position (GRCh38, 1-based): chr9:132,905,596, C>T on the plus strand (G>A on the coding strand, the complement: TSC1 is on the minus strand). VCF-style: chr9-132905596-C-T. GRCh37 (hg19) VCF-style: chr9-135780983-C-T.
Other names: c.1982G>A, p.Ser661Asn (NM_001406606.1, NM_001406607.1, NM_001406592.1 and 7 more transcripts); c.1979G>A, p.Ser660Asn (NM_001406608.1, NM_001406609.1, NM_001162426.2 and 6 more transcripts); c.1829G>A, p.Ser610Asn (NM_001406610.1, NM_001162427.2); c.1826G>A, p.Ser609Asn (NM_001406611.1, NM_001406612.1, NM_001406613.1); c.1619G>A, p.Ser540Asn (NM_001406614.1, NM_001406615.1, NM_001362177.2 and 5 more transcripts); c.1616G>A, p.Ser539Asn (NM_001406620.1, NM_001406621.1, NM_001406622.1 and 2 more transcripts); c.1031G>A, p.Ser344Asn (NM_001406626.1); c.1028G>A, p.Ser343Asn (NM_001406627.1, NM_001406628.1); and 1 more; short protein forms S310N, S343N, S609N, S610N, S661N, S344N, S539N, S540N.
Identifiers: ClinVar variation 3974566 (VCV003974566.1).
Genomic context (GRCh38, chr9:132,905,596, plus strand): 5'-TAAAATGGACCATTTAACACAGAAGAGAGTGCCCCAGTCCCTTACTTGTTCAGCTCCTTG[C>T]TGTGCGCGTCTGCTCCCTGCTGTATCAGTCTGTCCAGCACTTCCATTGGGGAGGTAGAGG-3'
Protein context (NP_000359.1, residues 651-671): RLIQQGADAH[Ser661Asn]KELNKLPLPS

ClinVar aggregate classification (germline): Uncertain significance (1 of 4 stars; one submission).

Conditions:
Hereditary cancer-predisposing syndrome. Also called: Tumor predisposition; Hereditary neoplastic syndrome; Hereditary Cancer Syndrome; Neoplastic Syndromes, Hereditary. Identifiers: Orphanet 140162, MedGen C0027672, MeSH D009386, MONDO:0015356.

Submission:

Ambry Genetics
Classification: Uncertain significance for Hereditary cancer-predisposing syndrome. Last evaluated: 2025-05-06. Review status: criteria provided, single submitter. Criteria: Ambry Variant Classification Scheme 2023. Collection method: clinical testing. Allele origin: germline.
Comment: The p.S661N variant (also known as c.1982G>A), located in coding exon 13 of the TSC1 gene, results from a G to A substitution at nucleotide position 1982. The serine at codon 661 is replaced by asparagine, an amino acid with highly similar properties. This amino acid position is conserved. In addition, this alteration is predicted to be tolerated by in silico analysis. Based on the available evidence, the clinical significance of this variant remains unclear.